The following is an entry in ClinVar:

ClinVar aggregate classification (germline): Pathogenic (1 of 4 stars; one submission).

Submission:

ARUP Laboratories, Molecular Genetics and Genomics, ARUP Laboratories
Classification: Pathogenic. Last evaluated: 2018-04-26. Review status: criteria provided, single submitter. Criteria: ARUP Molecular Germline Variant Investigation Process. Collection method: clinical testing. Allele origin: germline.
Comment: The PKD1 c.3932delC; p.Ala1311fs variant, to our knowledge, has not been reported in the medical literature or in gene-specific databases. It is also absent from general population databases (1000 Genomes Project, Exome Variant Server, and Genome Aggregation Database), indicating it is not a common polymorphism. This variant causes a frameshift by deleting a single nucleotide, so it is predicted to result in a truncated protein or mRNA subject to nonsense-mediated decay. Additionally, several downstream frameshift variants have been described in individuals with autosomal dominant polycystic kidney disease and are considered pathogenic (Audrezet 2012, Rossetti 2012). Based on available information, this variant is considered pathogenic. References: Audrezet M et al. Autosomal dominant polycystic kidney disease: comprehensive mutation analysis of PKD1 and PKD2 in 700 unrelated patients. Hum Mutat. 2012 Aug;33(8):1239-50. Rossetti S et al. Identification of gene mutations in autosomal dominant polycystic kidney disease through targeted resequencing. J Am Soc Nephrol. 2012 May;23(5):915-33.

NM_001009944.3(PKD1):c.3932del (p.Ala1311fs)

Gene: PKD1 (polycystin 1, transient receptor potential channel interacting; minus strand). Cytogenetic location: 16p13.3.
Variant type: Deletion.
Coding change: c.3932del on transcript NM_001009944.3 (MANE Select); coding-DNA position 3932, one base deleted (C; older notation c.3932delC).
Protein change: p.Ala1311fs; shifts the reading frame from alanine 1311.
Molecular consequence: frameshift variant.
Genome position (GRCh38, 1-based): chr16:2,111,235, G deleted on the plus strand (C on the coding strand, the reverse complement: PKD1 is on the minus strand). VCF-style (leftmost placement, unchanged base first): chr16-2111234-CG-C. GRCh37 (hg19) VCF-style: chr16-2161235-CG-C.
Other names: c.3932del, p.Ala1311fs (NM_000296.4); short protein forms A1311fs.
Identifiers: ClinVar variation 618313 (VCV000618313.8), dbSNP rs1567201999, ClinGen allele CA913191177.